The following is an entry in ClinVar:

NM_025137.4(SPG11):c.962C>G (p.Ser321Cys)

Gene: SPG11 (SPG11 vesicle trafficking associated, spatacsin; minus strand). Cytogenetic location: 15q21.1.
Variant type: single nucleotide variant.
Coding change: c.962C>G on transcript NM_025137.4 (MANE Select); coding-DNA position 962, C replaced by G.
Protein change: p.Ser321Cys; replaces serine 321 with cysteine.
Molecular consequence: missense variant.
Genome position (GRCh38, 1-based): chr15:44,652,174, G>C on the plus strand (C>G on the coding strand, the complement: SPG11 is on the minus strand). VCF-style: chr15-44652174-G-C. GRCh37 (hg19) VCF-style: chr15-44944372-G-C.
Other names: c.962C>G, p.Ser321Cys (NM_001160227.2); short protein forms S321C.
Identifiers: ClinVar variation 1490651 (VCV001490651.8), dbSNP rs2141108155, ClinGen allele CA392236908.

ClinVar aggregate classification (germline): Uncertain significance (1 of 4 stars; one submission).

Conditions:
Hereditary spastic paraplegia 11. Also called: Nakamura Osame syndrome; Autosomal recessive hereditary spastic paraplegia, mental impairment, and thin corpus callosum; SPASTIC PARAPLEGIA, AUTOSOMAL RECESSIVE, COMPLICATED, WITH THIN CORPUS CALLOSUM; SPASTIC PARAPLEGIA, AUTOSOMAL RECESSIVE, WITH MENTAL IMPAIRMENT AND THIN CORPUS CALLOSUM; Spastic paraplegia, mental retardation and thin corpus callosum; Spastic Paraplegia 11. Identifiers: Orphanet 2822, MedGen C1858479, MONDO:0011445, OMIM 604360.

Submission:

Labcorp Genetics (formerly Invitae), Labcorp
Classification: Uncertain significance for Hereditary spastic paraplegia 11. Last evaluated: 2022-09-12. Review status: criteria provided, single submitter. Criteria: Invitae Variant Classification Sherloc (09022015). Collection method: clinical testing. Allele origin: germline.
Comment: This sequence change replaces serine, which is neutral and polar, with cysteine, which is neutral and slightly polar, at codon 321 of the SPG11 protein (p.Ser321Cys). This variant is not present in population databases (gnomAD no frequency). Advanced modeling of protein sequence and biophysical properties (such as structural, functional, and spatial information, amino acid conservation, physicochemical variation, residue mobility, and thermodynamic stability) has been performed at Invitae for this missense variant, however the output from this modeling did not meet the statistical confidence thresholds required to predict the impact of this variant on SPG11 protein function. In summary, the available evidence is currently insufficient to determine the role of this variant in disease. Therefore, it has been classified as a Variant of Uncertain Significance. This variant has not been reported in the literature in individuals affected with SPG11-related conditions. ClinVar contains an entry for this variant (Variation ID: 1490651).